The following is an entry in ClinVar:

ClinVar aggregate classification (germline): Conflicting classifications of pathogenicity. Review status: criteria provided, conflicting classifications (1 of 4 stars). 3 submissions from 3 submitters: Likely pathogenic (1); Uncertain significance (2). Last evaluated 2026-06-05.

Conditions:
PDLIM3-related disorder. Also called: PDLIM3-related condition.
Primary dilated cardiomyopathy (DCM). Also called: Dilated Cardiomyopathy. Identifiers: Orphanet 217604, MedGen C0007193, MeSH D002311, MONDO:0005021, HP:0001644. Inheritance: Various modes of inheritance.
Hypertrophic cardiomyopathy. Also called: HYPERTROPHIC MYOCARDIOPATHY. Identifiers: Orphanet 217569, MedGen C0007194, MeSH D002312, MONDO:0005045, HP:0001639.

Submissions (3):

PreventionGenetics, part of Exact Sciences
Classification: Uncertain significance for PDLIM3-related condition. Last evaluated: 2026-06-05. Review status: criteria provided, single submitter. Criteria: ACMG Guidelines, 2015. Collection method: clinical testing. Allele origin: germline.
Comment: The PDLIM3 c.173_174delAG variant is predicted to result in a frameshift and premature protein termination (p.Glu58Valfs*6). The PDLIM3 gene variant c.173_174del is predicted to result in a frameshift and premature protein termination (p.Glu58Valfs*6). To our knowledge, this variant has not been reported in literature. Although truncating variants in PDLIM3 have been reported in individuals with hypertrophic cardiomyopathy, dilated cardiomyopathy, atrial fibrillation, and sudden infant death syndrome (Arola et al. 2007. PubMed ID: 17254821; Haas et al. 2015. PubMed ID: 25163546; Bottillo et al. 2016. PubMed ID: 26656175; Tester et al. 2018. PubMed ID: 29544605; Vad et al. 2020. PubMed ID: 32013268), many truncating variants in PDLIM3 are also documented in a large population database (gnomad), including two heterozygous carriers of the PDLIM3 c.173_174del variant. It remains unclear to date whether loss-of-function variants in PDLIM3 would cause disease. Although c.173_174del could be pathogenic, at this time its clinical significance is uncertain due the absence of conclusive functional and genetic evidence.

Labcorp Genetics (formerly Invitae), Labcorp
Classification: Uncertain significance for Hypertrophic cardiomyopathy; Primary dilated cardiomyopathy. Last evaluated: 2025-08-18. Review status: criteria provided, single submitter. Criteria: Invitae Variant Classification Sherloc (09022015). Collection method: clinical testing. Allele origin: germline.
Comment: This sequence change creates a premature translational stop signal (p.Glu58Valfs*6) in the PDLIM3 gene. It is expected to result in an absent or disrupted protein product. However, the current clinical and genetic evidence is not sufficient to establish whether loss-of-function variants in PDLIM3 cause disease. This variant is present in population databases (rs754882710, gnomAD 0.002%). This variant has not been reported in the literature in individuals affected with PDLIM3-related conditions. In summary, the available evidence is currently insufficient to determine the role of this variant in disease. Therefore, it has been classified as a Variant of Uncertain Significance.

GeneDx
Classification: Likely pathogenic. Last evaluated: 2014-11-25. Review status: criteria provided, single submitter. Criteria: GeneDx Variant Classification (06012015). Collection method: clinical testing. Allele origin: germline. Affected: yes.
Comment: Although rare, variants in the PDLIM3 gene have been reported in association with familial cardiomyopathy (Arola AM et al., 2007; Bagnall RD et al., 2010). Although the c.173_174delAG variant in the PDLIM3 gene has not been reported to our knowledge, this variant causes a shift in reading frame starting at codon Glutamine 58, changing it to a Valine, and creating a premature stop codon at position 6 of the new reading frame, denoted p.Glu58ValfsX6. This variant is expected to result in either an abnormal, truncated protein product or loss of protein from this allele through nonsense-mediated mRNA decay. However, only one frameshift mutation in the PDLIM3 gene has been reported in HGMD in association with dilated cardiomyopathy (Stenson P et al., 2014). It is currently not known whether haploinsufficiency for PDLIM3 may cause disease, as mice that are only homozygous null for PDLIM3 have been shown to express a right ventricular cardiomyopathy phenotype (Pashmforoush M et al,. 2001). Therefore, this is a strong candidate for a pathogenic variant, however the possibility that it is a benign variant cannot be excluded.

NM_014476.6(PDLIM3):c.173_174del (p.Glu58fs)

Gene: PDLIM3 (PDZ and LIM domain 3; minus strand). Cytogenetic location: 4q35.1.
Variant type: Microsatellite.
Coding change: c.173_174del on transcript NM_014476.6 (MANE Select); coding-DNA positions 173 to 174, 2 bases deleted (AG; older notation c.173_174delAG).
Protein change: p.Glu58fs; shifts the reading frame from glutamic acid 58.
Molecular consequence: frameshift variant. On other transcripts: non-coding transcript variant (1), intron variant (1).
Genome position (GRCh38, 1-based): chr4:185,525,091-185,525,092, CT deleted on the plus strand (AG on the coding strand, the reverse complement: PDLIM3 is on the minus strand); deleting any 2 consecutive bases within chr4:185,525,091-185,525,094 gives the same sequence; the c. name uses the placement nearest the transcript's 3' end. VCF-style (leftmost placement, unchanged base first): chr4-185525090-ACT-A. GRCh37 (hg19) VCF-style: chr4-186446244-ACT-A.
Other names: c.173_174delAG (NM_014476.5); c.173_174del, p.Glu58fs (NM_001114107.5, NM_001257962.2); c.93+10250_93+10251del (NM_001257963.2); short protein forms E58fs.
Identifiers: ClinVar variation 418403 (VCV000418403.4), dbSNP rs754882710, ClinGen allele CA3159889.